The following is an entry in ClinVar:

NM_000709.4(BCKDHA):c.1270C>T (p.Gln424Ter)

Gene: BCKDHA (branched chain keto acid dehydrogenase E1 subunit alpha; plus strand). Cytogenetic location: 19q13.2.
Variant type: single nucleotide variant.
Coding change: c.1270C>T on transcript NM_000709.4 (MANE Select); coding-DNA position 1270, C replaced by T.
Protein change: p.Gln424Ter; replaces glutamine 424 with a stop codon.
Molecular consequence: nonsense.
Genome position (GRCh38, 1-based): chr19:41,424,540, C>T. VCF-style: chr19-41424540-C-T. GRCh37 (hg19) VCF-style: chr19-41930445-C-T.
Other names: c.1267C>T, p.Gln423Ter (NM_001164783.2); short protein forms Q423*, Q424*.
Identifiers: ClinVar variation 4063803 (VCV004063803.2).

ClinVar aggregate classification (germline): Likely pathogenic (1 of 4 stars; one submission).

Conditions:
Maple syrup urine disease type 1A (MSUD1A). Also called: MSUD type 1A. Identifiers: MedGen C1855369, MONDO:0023691, OMIM 248600.

Submission:

Natera, Inc.
Classification: Likely pathogenic for Maple syrup urine disease type 1A. Last evaluated: 2025-03-08. Review status: criteria provided, single submitter. Criteria: Natera Variant Classification Schema (03/2026). Collection method: clinical testing. Allele origin: germline.
Comment: The c.1270C>T variant in BCKDHA is a nonsense variant predicted to introduce a stop codon at amino acid 424. This variant is expected to result in nonsense mediated decay, truncation, or a dysfunctional protein product. This variant is rare in the general population with a frequency below the threshold expected for the associated phenotype(s). This variant has been observed in one or more individuals affected with the associated recessive disease, as either homozygous or compound heterozygous with a second variant (PMID: 28417071). Given the available evidence, this variant is classified as Likely Pathogenic.

Literature cited by the submitters: PubMed 28417071.